The following is an entry in ClinVar:

NM_002055.5(GFAP):c.1258-6C>G

Gene: GFAP (glial fibrillary acidic protein; minus strand). Cytogenetic location: 17q21.31.
Variant type: single nucleotide variant.
Coding change: c.1258-6C>G on transcript NM_002055.5 (MANE Select); 6 bases into the intron before coding-DNA position 1258, C replaced by G.
Molecular consequence: intron variant.
Genome position (GRCh38, 1-based): chr17:44,907,394, G>C on the plus strand (C>G on the coding strand, the complement: GFAP is on the minus strand). VCF-style: chr17-44907394-G-C. GRCh37 (hg19) VCF-style: chr17-42984762-G-C.
Other names: c.1378-6C>G (NM_001363846.2).
Identifiers: ClinVar variation 4887253 (VCV004887253.1).
Genomic context (GRCh38, chr17:44,907,394, plus strand): 5'-GGTGGGTCCTGCCTCACATCACATCCTTGTGCTCCTGCTTGGACTCCTTAATGACCTGCA[G>C]GGGACAGGGAACGTGCACAGTGCAACAGTTAGGAGTTCACACAGACCCCAGGTCCACCAC-3'

ClinVar aggregate classification (germline): Likely benign (1 of 4 stars; one submission).

gnomAD v4.1: 21 of 1,609,424 alleles (0.0013%); highest among the groups gnomAD compares: Non-Finnish European, 0.0017%; no homozygotes.

Submission:

Women's Health and Genetics/Laboratory Corporation of America, LabCorp
Classification: Likely benign. Last evaluated: 2026-06-15. Review status: criteria provided, single submitter. Criteria: LabCorp Variant Classification Summary - May 2015. Collection method: clinical testing. Allele origin: germline.
Comment: Variant summary: GFAP c.1258-6C>G alters a conserved nucleotide located at a position not widely known to affect splicing. Consensus agreement among computation tools predict no significant impact on normal splicing. However, these predictions have yet to be confirmed by functional studies. The variant allele was found at a frequency of 8e-06 in 249664 control chromosomes. The available data on variant occurrences in the general population are insufficient to allow any conclusion about variant significance. To our knowledge, no occurrence of c.1258-6C>G in individuals affected with GFAP-related conditions and no experimental evidence demonstrating its impact on protein function have been reported. No submitters have cited clinical-significance assessments for this variant to ClinVar. Based on the evidence outlined above, the variant was classified as likely benign.